The following is an entry in ClinVar:

ClinVar aggregate classification (germline): other (0 of 4 stars; one submission).

Conditions:
Familial colorectal cancer. Identifiers: MedGen CN280943, MONDO:0023113. Disease mechanism: loss of function.

Submission:

Systems Biology Platform Zhejiang California International NanoSystems Institute
Classification: other for Familial colorectal cancer. Review status: no assertion criteria provided. Collection method: not provided. Allele origin: unknown.
ClinVar note: Converted during submission from cancer to other.

NM_000038.6(APC):c.136-1965A>G

Gene: APC (APC regulator of WNT signaling pathway; plus strand). Cytogenetic location: 5q22.2.
Variant type: single nucleotide variant.
Coding change: c.136-1965A>G on transcript NM_000038.6 (MANE Select); 1965 bases into the intron before coding-DNA position 136, A replaced by G.
Molecular consequence: intron variant.
Genome position (GRCh38, 1-based): chr5:112,764,361, A>G. VCF-style: chr5-112764361-A-G. GRCh37 (hg19) VCF-style: chr5-112100058-A-G.
Other names: c.136-1965A>G (NM_001354895.2, NM_001127510.3, NM_001354896.2 and 2 more transcripts); c.166-1965A>G (NM_001354897.2, NM_001354902.2, NM_001127511.3); c.61-1965A>G (NM_001354898.2, NM_001354904.2); c.-900-1965A>G (NM_001354906.2); c.-42-1965A>G (NM_001354900.2, NM_001354901.2, NM_001354905.2).
Identifiers: ClinVar variation 82861 (VCV000082861.2), dbSNP rs78371714, ClinGen allele CA004512.